The following is an entry in ClinVar:

NM_018670.4(MESP1):c.568G>T (p.Gly190Cys)

Genes: MESP1 (mesoderm posterior bHLH transcription factor 1; minus strand), LOC130057888 (ATAC-STARR-seq lymphoblastoid silent region 6803; plus strand). Cytogenetic location: 15q26.1.
Variant type: single nucleotide variant.
Coding change: c.568G>T on transcript NM_018670.4 (MANE Select); coding-DNA position 568, G replaced by T.
Protein change: p.Gly190Cys; replaces glycine 190 with cysteine.
Molecular consequence: missense variant.
Genome position (GRCh38, 1-based): chr15:89,750,664, C>A on the plus strand (G>T on the coding strand, the complement: MESP1 is on the minus strand). VCF-style: chr15-89750664-C-A. GRCh37 (hg19) VCF-style: chr15-90293895-C-A.
Other names: c.568G>T (NM_018670.3); short protein forms G190C.
Identifiers: ClinVar variation 1426113 (VCV001426113.11), dbSNP rs1056700149, ClinGen allele CA274596868.

ClinVar aggregate classification (germline): Uncertain significance. Review status: criteria provided, multiple submitters, no conflicts (2 of 4 stars). 2 submissions from 2 submitters: Uncertain significance (2). Last evaluated 2022-01-18.

gnomAD v4.1: 37 of 1,361,712 alleles (0.0027%); highest among the groups gnomAD compares: Non-Finnish European, 0.0034%; no homozygotes.

Submissions (2):

Ambry Genetics
Classification: Uncertain significance. Last evaluated: 2022-01-18. Review status: criteria provided, single submitter. Criteria: Ambry Variant Classification Scheme 2023. Collection method: clinical testing. Allele origin: germline.

Labcorp Genetics (formerly Invitae), Labcorp
Classification: Uncertain significance. Last evaluated: 2021-08-05. Review status: criteria provided, single submitter. Criteria: Invitae Variant Classification Sherloc (09022015). Collection method: clinical testing. Allele origin: germline.
Comment: This sequence change replaces glycine with cysteine at codon 190 of the MESP1 protein (p.Gly190Cys). The glycine residue is weakly conserved and there is a large physicochemical difference between glycine and cysteine. The frequency data for this variant in the population databases is considered unreliable, as metrics indicate insufficient coverage at this position in the ExAC database. This variant has not been reported in the literature in individuals with MESP1-related conditions. Algorithms developed to predict the effect of missense changes on protein structure and function (SIFT, PolyPhen-2, Align-GVGD) all suggest that this variant is likely to be tolerated, but these predictions have not been confirmed by published functional studies and their clinical significance is uncertain. In summary, the available evidence is currently insufficient to determine the role of this variant in disease. Therefore, it has been classified as a Variant of Uncertain Significance.